The following is an entry in ClinVar:

NM_002691.4(POLD1):c.283A>T (p.Ile95Phe)

Gene: POLD1 (DNA polymerase delta 1, catalytic subunit; plus strand). Cytogenetic location: 19q13.33.
Variant type: single nucleotide variant.
Coding change: c.283A>T on transcript NM_002691.4 (MANE Select); coding-DNA position 283, A replaced by T.
Protein change: p.Ile95Phe; replaces isoleucine 95 with phenylalanine.
Molecular consequence: missense variant. On other transcripts: non-coding transcript variant (1).
Genome position (GRCh38, 1-based): chr19:50,399,451, A>T. VCF-style: chr19-50399451-A-T. GRCh37 (hg19) VCF-style: chr19-50902708-A-T.
Other names: c.283A>T, p.Ile95Phe (NM_001256849.1, NM_001308632.1); short protein forms I95F.
Identifiers: ClinVar variation 408056 (VCV000408056.8), dbSNP rs1060501835, ClinGen allele CA16616321.
Genomic context (GRCh38, chr19:50,399,451, plus strand): 5'-ATAGATCCTCGCTGGCTTCGGCCCACACCACCAGCGCTGGACCCCCAGACAGAGCCCCTC[A>T]TCTTCCAACAGTTGGAGATTGACCATTATGTGGGTGAGTTTAGGGGTTATGGGTGAGTGC-3'
Protein context (NP_002682.2, residues 85-105): PALDPQTEPL[Ile95Phe]FQQLEIDHYV

ClinVar aggregate classification (germline): Uncertain significance (1 of 4 stars; one submission).

Conditions:
POLD1-related polyposis and colorectal cancer syndrome (CRCS10). Also called: Colorectal cancer, susceptibility to, 10; Colorectal cancer 10; COLORECTAL CANCER, SUSCEPTIBILITY TO, ON CHROMOSOME 19q. Identifiers: Orphanet 220460, MedGen C2675481, MONDO:0012953, OMIM 612591.

Submission:

Labcorp Genetics (formerly Invitae), Labcorp
Classification: Uncertain significance for POLD1-related polyposis and colorectal cancer syndrome. Last evaluated: 2016-04-30. Review status: criteria provided, single submitter. Criteria: Invitae Variant Classification Sherloc (09022015). Collection method: clinical testing. Allele origin: germline.
Comment: This variant is not present in population databases (ExAC no frequency) and has not been reported in the literature in individuals with a POLD1-related disease. In summary, this variant is a novel missense change with uncertain impact on protein function. It has been classified as a Variant of Uncertain Significance. Algorithms developed to predict the effect of missense changes on protein structure and function do not agree on the potential impact of this missense change (SIFT: "Tolerated"; PolyPhen-2: "Possibly Damaging"; Align-GVGD: "Class C0"). This sequence change replaces isoleucine with phenylalanine at codon 95 of the POLD1 protein (p.Ile95Phe). The isoleucine residue is weakly conserved and there is a small physicochemical difference between isoleucine and phenylalanine.